The following is an entry in ClinVar:

NM_000044.6(AR):c.2131A>G (p.Arg711Gly)

Gene: AR (androgen receptor; plus strand). Cytogenetic location: Xq12.
Variant type: single nucleotide variant.
Coding change: c.2131A>G on transcript NM_000044.6 (MANE Select); coding-DNA position 2131, A replaced by G.
Protein change: p.Arg711Gly; replaces arginine 711 with glycine.
Molecular consequence: missense variant.
Genome position (GRCh38, 1-based): chrX:67,711,647, A>G. VCF-style: chrX-67711647-A-G. GRCh37 (hg19) VCF-style: chrX-66931489-A-G.
Other names: c.535A>G, p.Arg179Gly (NM_001011645.3); short protein forms R179G, R711G.
Identifiers: ClinVar variation 4082475 (VCV004082475.2).

ClinVar aggregate classification (germline): Likely pathogenic (1 of 4 stars; one submission).

Submission:

Genetic Services Laboratory, University of Chicago
Classification: Likely pathogenic. Last evaluated: 2023-03-01. Review status: criteria provided, single submitter. Criteria: ACMG Guidelines, 2015. Collection method: clinical testing. Allele origin: germline. Affected: yes.
Comment: DNA sequence analysis of the AR gene demonstrated a sequence change, c.2131A>G, in exon 4 that results in an amino acid change, p.Arg711Gly. The p.Arg711Gly change affects a highly conserved amino acid residue located in a domain of the AR protein that is known to be functional. The p.Arg711Gly substitution appears to be deleterious using several in-silico pathogenicity prediction tools (SIFT, PolyPhen2, Align GVGD, REVEL). This particular amino acid change does not appear to have been described in the literature; however, a different likely pathogenic sequence change affecting the same amino acid residue (p.Arg711Thr) has been described in an individual with complete androgen insensitivity syndrome (CAIS) (PMID: 10690872). This sequence change has not been described in population databases such as ExAC and gnomAD. This sequence change is the likely cause of this individual's phenotype, however functional studies have not been performed to prove this conclusively.